The following is an entry in ClinVar:

ClinVar aggregate classification (germline): Pathogenic (1 of 4 stars; one submission).

Allele frequency attached by ClinVar (database versions not stated): gnomAD exomes below 0.00001; TOPMed 0.00001.

Submission:

Labcorp Genetics (formerly Invitae), Labcorp
Classification: Pathogenic. Last evaluated: 2024-02-23. Review status: criteria provided, single submitter. Criteria: Invitae Variant Classification Sherloc (09022015). Collection method: clinical testing. Allele origin: germline.
Comment: This sequence change creates a premature translational stop signal (p.Arg141Serfs*3) in the EMC1 gene. It is expected to result in an absent or disrupted protein product. Loss-of-function variants in EMC1 are known to be pathogenic (PMID: 26572623, 26942288, 29271071). This variant is not present in population databases (gnomAD no frequency). This variant has not been reported in the literature in individuals affected with EMC1-related conditions. ClinVar contains an entry for this variant (Variation ID: 1460429). For these reasons, this variant has been classified as Pathogenic.

Literature cited by the submitters: PubMed 26572623; PubMed 26942288; PubMed 29271071.

NM_015047.3(EMC1):c.412_419dup (p.Arg141fs)

Gene: EMC1 (ER membrane protein complex subunit 1; minus strand). Cytogenetic location: 1p36.13.
Variant type: Duplication.
Coding change: c.412_419dup on transcript NM_015047.3 (MANE Select); coding-DNA positions 412 to 419, 8 bases duplicated (GAGTCTGT; older notation c.412_419dupGAGTCTGT).
Protein change: p.Arg141fs; shifts the reading frame from arginine 141.
Molecular consequence: frameshift variant.
Genome position (GRCh38, 1-based): chr1:19,242,435-19,242,442, ACAGACTC duplicated on the plus strand (GAGTCTGT on the coding strand, the reverse complement: EMC1 is on the minus strand). VCF-style (leftmost placement, unchanged base first): chr1-19242434-T-TACAGACTC. GRCh37 (hg19) VCF-style: chr1-19568928-T-TACAGACTC.
Other names: c.412_419dup, p.Arg141fs (NM_001271427.2, NM_001271428.2, NM_001375820.1 and 1 more transcripts); c.346_353dup, p.Arg119fs (NM_001271429.2); short protein forms R119fs, R141fs.
Identifiers: ClinVar variation 1460429 (VCV001460429.6), dbSNP rs1193333328, ClinGen allele CA729210573.